The following is an entry in ClinVar:

NM_001365999.1(SZT2):c.4503_4594dup (p.Ser1532delinsTrpSerLeuArgValThrGlnSerTer)

Gene: SZT2 (SZT2 subunit of KICSTOR complex; plus strand). Cytogenetic location: 1p34.2.
Variant type: Duplication.
Coding change: c.4503_4594dup on transcript NM_001365999.1 (MANE Select); coding-DNA positions 4503 to 4594, 92 bases duplicated.
Protein change: p.Ser1532delinsTrpSerLeuArgValThrGlnSerTer.
Molecular consequence: nonsense.
Genome position (GRCh38, 1-based): chr1:43,430,518-43,430,609, 92 bases duplicated. GRCh37 (hg19): chr1:43,896,189-43,896,280.
Other names: c.4332_4423dup92 (NM_015284.4); c.4332_4423dup, p.Ser1475delinsTrpSerLeuArgValThrGlnSerTer (NM_015284.4).
Identifiers: ClinVar variation 4536900 (VCV004536900.1).

ClinVar aggregate classification (germline): Pathogenic (1 of 4 stars; one submission).

Conditions:
Developmental and epileptic encephalopathy, 18 (DEE18). Also called: Early infantile epileptic encephalopathy 18. Identifiers: Orphanet 369894, MedGen C3809624, MONDO:0014201, OMIM 615476.

Submission:

Women's Health and Genetics/Laboratory Corporation of America, LabCorp
Classification: Pathogenic for Developmental and epileptic encephalopathy, 18. Last evaluated: 2025-11-26. Review status: criteria provided, single submitter. Criteria: LabCorp Variant Classification Summary - May 2015. Collection method: clinical testing. Allele origin: germline.
Comment: Variant summary: SZT2 c.4332_4423dup92 (p.Ser1475TrpfsX9) results in a premature termination codon, predicted to cause a truncation of the encoded protein or absence of the protein due to nonsense mediated decay, which are commonly known mechanisms for disease. The variant was absent in 251180 control chromosomes. To our knowledge, no occurrence of c.4332_4423dup92 in individuals affected with SZT2-related conditions and no experimental evidence demonstrating its impact on protein function have been reported. No submitters have cited clinical-significance assessments for this variant to ClinVar. Based on the evidence outlined above, the variant was classified as pathogenic.